The following is an entry in ClinVar:

NM_015506.3(MMACHC):c.51del (p.Pro18fs)

Gene: MMACHC (metabolism of cobalamin associated C; plus strand). Cytogenetic location: 1p34.1.
Variant type: Deletion.
Coding change: c.51del on transcript NM_015506.3 (MANE Select); coding-DNA position 51, one base deleted (T; older notation c.51delT).
Protein change: p.Pro18fs; shifts the reading frame from proline 18.
Molecular consequence: frameshift variant. On other transcripts: 5 prime UTR variant (1).
Genome position (GRCh38, 1-based): chr1:45,500,383, T deleted. VCF-style (leftmost placement, unchanged base first): chr1-45500382-GT-G. GRCh37 (hg19) VCF-style: chr1-45966054-GT-G.
Other names: c.-172del (NM_001330540.2); short protein forms P18fs.
Identifiers: ClinVar variation 1723937 (VCV001723937.2), dbSNP rs2522798233, ClinGen allele CA2580062896.

ClinVar aggregate classification (germline): Likely pathogenic (1 of 4 stars; one submission).

Conditions:
Cobalamin C disease. Also called: methylmalonic aciduria and homocystinuria type cblC; Methylmalonic aciduria with homocystinuria cblC type; Methylmalonic aciduria and homocystinuria, Vitamin B12-responsive; Vitamin B12 metabolic defect with combined deficiency of methylmalonyl-CoA mutase and homocysteine:methyltetrahydrofolate methyltransferase; Cobalamin-C methylmalonic acidemia and homocystinuria; Methylmalonic acidemia and homocystinuria cblC type. Identifiers: Orphanet 26, Orphanet 79282, MedGen C1848561, MONDO:0010184, OMIM 277400.

Submission:

Myriad Genetics, Inc.
Classification: Likely pathogenic for Cobalamin C disease. Last evaluated: 2022-01-14. Review status: criteria provided, single submitter. Criteria: Myriad Women's Health Autosomal Recessive and X-Linked Classification Criteria (2021). Collection method: clinical testing. Allele origin: unknown.
Comment: NM_015506.2(MMACHC):c.51delT(P18Lfs*58) is expected to be pathogenic in the context of methylmalonic aciduria and homocystinuria, cblC type. This variant is predicted to lead to an abnormal or absent protein product due to the creation of a premature termination codon in MMACHC, a gene where loss-of-function variants are known to be pathogenic. Please note: this variant was assessed in the context of healthy population screening.